The following is an entry in ClinVar:

NM_000057.4(BLM):c.4079G>A (p.Gly1360Glu)

Gene: BLM (BLM RecQ like helicase; plus strand). Cytogenetic location: 15q26.1.
Variant type: single nucleotide variant.
Coding change: c.4079G>A on transcript NM_000057.4 (MANE Select); coding-DNA position 4079, G replaced by A.
Protein change: p.Gly1360Glu; replaces glycine 1360 with glutamic acid.
Molecular consequence: missense variant.
Genome position (GRCh38, 1-based): chr15:90,815,104, G>A. VCF-style: chr15-90815104-G-A. GRCh37 (hg19) VCF-style: chr15-91358334-G-A.
Other names: c.4079G>A (NM_000057.2); c.4079G>A, p.Gly1360Glu (NM_001287246.2); c.3686G>A, p.Gly1229Glu (NM_001287247.2); c.2954G>A, p.Gly985Glu (NM_001287248.2); short protein forms G1229E, G1360E, G985E.
Identifiers: ClinVar variation 1025777 (VCV001025777.15), dbSNP rs1258712808, ClinGen allele CA393852028.
Genomic context (GRCh38, chr15:90,815,104, plus strand): 5'-AGGTCATTCATTTTTGGTTTCATTTAACATTTTGATTTTTTTCTTTGTCACATTTCAGGG[G>A]GTCTGCCACATGTAGAAAGATATCTTCCAAAACGAAATCCTCCAGCATCATTGGATCCAG-3'
Protein context (NP_000048.1, residues 1350-1370): TASSGSKAKG[Gly1360Glu]SATCRKISSK

ClinVar aggregate classification (germline): Uncertain significance. Review status: criteria provided, multiple submitters, no conflicts (2 of 4 stars). 3 submissions from 3 submitters: Uncertain significance (2). 1 of the submissions does not count toward it. Last evaluated 2025-08-01.

Conditions:
Hereditary cancer-predisposing syndrome. Also called: Neoplastic Syndromes, Hereditary; Tumor predisposition; Hereditary Cancer Syndrome; Hereditary neoplastic syndrome. Identifiers: Orphanet 140162, MedGen C0027672, MeSH D009386, MONDO:0015356.
Bloom syndrome (BLM). Also called: Bloom-Torre-Machacek syndrome. Identifiers: Orphanet 125, MedGen C0005859, MONDO:0008876, OMIM 210900.

Submissions (3):

Ambry Genetics
Classification: Uncertain significance for Hereditary cancer-predisposing syndrome. Last evaluated: 2025-08-01. Review status: criteria provided, single submitter. Criteria: Ambry Variant Classification Scheme 2023. Collection method: clinical testing. Allele origin: germline.
Comment: The p.G1360E variant (also known as c.4079G>A), located in coding exon 21 of the BLM gene, results from a G to A substitution at nucleotide position 4079. The glycine at codon 1360 is replaced by glutamic acid, an amino acid with similar properties. This amino acid position is conserved. In addition, this alteration is predicted to be tolerated by in silico analysis. Since supporting evidence is limited at this time, the clinical significance of this alteration remains unclear.

Labcorp Genetics (formerly Invitae), Labcorp
Classification: Uncertain significance for Bloom syndrome. Last evaluated: 2023-03-27. Review status: criteria provided, single submitter. Criteria: Invitae Variant Classification Sherloc (09022015). Collection method: clinical testing. Allele origin: germline.
Comment: An algorithm developed to predict the effect of missense changes on protein structure and function (PolyPhen-2) suggests that this variant is likely to be tolerated. ClinVar contains an entry for this variant (Variation ID: 1025777). This variant has not been reported in the literature in individuals affected with BLM-related conditions. This variant is not present in population databases (gnomAD no frequency). This sequence change replaces glycine, which is neutral and non-polar, with glutamic acid, which is acidic and polar, at codon 1360 of the BLM protein (p.Gly1360Glu). In summary, the available evidence is currently insufficient to determine the role of this variant in disease. Therefore, it has been classified as a Variant of Uncertain Significance.

Natera, Inc.
Classification: Uncertain significance for Bloom syndrome. Last evaluated: 2020-09-15. Review status: no assertion criteria provided. Collection method: clinical testing. Allele origin: germline. Not counted in ClinVar's aggregate classification.